The following is an entry in ClinVar:

ClinVar aggregate classification (germline): Uncertain significance. Review status: criteria provided, multiple submitters, no conflicts (2 of 4 stars). 2 submissions from 2 submitters: Uncertain significance (2). Last evaluated 2023-10-11.

Conditions:
Inborn genetic diseases. Identifiers: MedGen C0950123, MeSH D030342.

Allele frequency attached by ClinVar (database versions not stated): TOPMed below 0.00001; ExAC 0.00001.

Submissions (2):

Women's Health and Genetics/Laboratory Corporation of America, LabCorp
Classification: Uncertain significance. Last evaluated: 2023-10-11. Review status: criteria provided, single submitter. Criteria: LabCorp Variant Classification Summary - May 2015. Collection method: clinical testing. Allele origin: germline.
Comment: Variant summary: TRIP12 c.4215+4A>G alters a conserved nucleotide located close to a canonical splice site and therefore could affect mRNA splicing, leading to a significantly altered protein sequence. Several computational tools predict a significant impact on normal splicing: Two predict the variant abolishes the 5 canonical splicing donor site. Two predict the variant weakens the 5 canonical splicing donor site. However, these predictions have yet to be confirmed by functional studies. The variant allele was found at a frequency of 4e-06 in 251284 control chromosomes. The available data on variant occurrences in the general population are insufficient to allow any conclusion about variant significance. To our knowledge, no occurrence of c.4215+4A>G in individuals affected with Clark-Baraitser Syndrome and no experimental evidence demonstrating its impact on protein function have been reported. One submitter has cited clinical-significance assessments for this variant to ClinVar after 2014 and has classified the variant as uncertain significance. Based on the evidence outlined above, the variant was classified as uncertain significance.

Ambry Genetics
Classification: Uncertain significance for Inborn genetic diseases. Last evaluated: 2022-04-07. Review status: criteria provided, single submitter. Criteria: Ambry Variant Classification Scheme 2023. Collection method: clinical testing. Allele origin: germline.
Comment: The c.3990+4A>G intronic alteration consists of a A to G substitution nucleotides after coding exon 26 in the TRIP12 gene. Based on insufficient or conflicting evidence, the clinical significance of this alteration remains unclear.

NM_001348323.3(TRIP12):c.4215+4A>G

Gene: TRIP12 (thyroid hormone receptor interactor 12; minus strand). Cytogenetic location: 2q36.3.
Variant type: single nucleotide variant.
Coding change: c.4215+4A>G on transcript NM_001348323.3 (MANE Select); 4 bases into the intron after coding-DNA position 4215, A replaced by G.
Molecular consequence: intron variant.
Genome position (GRCh38, 1-based): chr2:229,792,149, T>C on the plus strand (A>G on the coding strand, the complement: TRIP12 is on the minus strand). VCF-style: chr2-229792149-T-C. GRCh37 (hg19) VCF-style: chr2-230656865-T-C.
Other names: c.3180+4A>G (NM_001284216.2); c.3990+4A>G (NM_004238.3); c.3993+4A>G (NM_001348331.1); c.4074+4A>G (NM_001348317.1, NM_001348318.2); c.4089+4A>G (NM_001284215.2, NM_001348316.2); c.4113+4A>G (NM_001348332.1); c.4134+4A>G (NM_001284214.2, NM_001348315.2); c.4200+4A>G (NM_001348319.1, NM_001348320.2); and 4 more.
Identifiers: ClinVar variation 2279230 (VCV002279230.3), dbSNP rs770247303, ClinGen allele CA2152578.